The following is an entry in ClinVar:

NM_020376.4(PNPLA2):c.881A>G (p.Asp294Gly)

Gene: PNPLA2 (patatin like domain 2, triacylglycerol lipase; plus strand). Cytogenetic location: 11p15.5.
Variant type: single nucleotide variant.
Coding change: c.881A>G on transcript NM_020376.4 (MANE Select); coding-DNA position 881, A replaced by G.
Protein change: p.Asp294Gly; replaces aspartic acid 294 with glycine.
Molecular consequence: missense variant.
Genome position (GRCh38, 1-based): chr11:823,817, A>G. VCF-style: chr11-823817-A-G. GRCh37 (hg19) VCF-style: chr11-823817-A-G.
Other names: short protein forms D294G.
Identifiers: ClinVar variation 569416 (VCV000569416.10), dbSNP rs1565088986, ClinGen allele CA378981728.

ClinVar aggregate classification (germline): Uncertain significance (1 of 4 stars; one submission).

Conditions:
Neutral lipid storage myopathy (NLSDM). Also called: NEUTRAL LIPID STORAGE DISEASE WITHOUT ICHTHYOSIS. Identifiers: Orphanet 98908, MedGen C1853136, MONDO:0012545, OMIM 610717.

Allele frequency attached by ClinVar (database versions not stated): TOPMed below 0.00001; gnomAD 0.00001.
gnomAD v4.1: 1 of 1,600,116 alleles (0.000062%); highest among the groups gnomAD compares: African/African-American, 0.0013%; no homozygotes.

Submission:

Labcorp Genetics (formerly Invitae), Labcorp
Classification: Uncertain significance for Neutral lipid storage myopathy. Last evaluated: 2019-06-28. Review status: criteria provided, single submitter. Criteria: Invitae Variant Classification Sherloc (09022015). Collection method: clinical testing. Allele origin: germline.
Comment: This sequence change replaces aspartic acid with glycine at codon 294 of the PNPLA2 protein (p.Asp294Gly). The aspartic acid residue is moderately conserved and there is a moderate physicochemical difference between aspartic acid and glycine. This variant is not present in population databases (ExAC no frequency). In summary, the available evidence is currently insufficient to determine the role of this variant in disease. Therefore, it has been classified as a Variant of Uncertain Significance. Algorithms developed to predict the effect of sequence changes on RNA splicing suggest that this variant may create or strengthen a splice site, but this prediction has not been confirmed by published transcriptional studies. Algorithms developed to predict the effect of missense changes on protein structure and function (SIFT, PolyPhen-2, Align-GVGD) all suggest that this variant is likely to be tolerated, but these predictions have not been confirmed by published functional studies and their clinical significance is uncertain. This variant has not been reported in the literature in individuals with PNPLA2-related disease.